The following is an entry in ClinVar:

NM_002016.2(FLG):c.7173C>G (p.Pro2391=)

Genes: CCDST (cervical cancer associated DHX9 suppressive transcript; plus strand), FLG (filaggrin; minus strand). Cytogenetic location: 1q21.3.
Variant type: single nucleotide variant.
Coding change: c.7173C>G on transcript NM_002016.2 (MANE Select); coding-DNA position 7173, C replaced by G.
Protein change: p.Pro2391=; no amino-acid change (proline 2391 retained).
Molecular consequence: synonymous variant.
Genome position (GRCh38, 1-based): chr1:152,307,713, G>C on the plus strand (C>G on the coding strand, the complement: FLG is on the minus strand). VCF-style: chr1-152307713-G-C. GRCh37 (hg19) VCF-style: chr1-152280189-G-C.
Identifiers: ClinVar variation 3906096 (VCV003906096.10).

ClinVar aggregate classification (germline): Likely benign (1 of 4 stars; one submission).

Submission:

CeGaT Center for Human Genetics Tuebingen
Classification: Likely benign. Last evaluated: 2025-06-01. Review status: criteria provided, single submitter. Criteria: CeGaT Center For Human Genetics Tuebingen Variant Classification Criteria Version 2. Collection method: clinical testing. Allele origin: germline. Affected: yes. Observed: 1 variant allele.
Comment: FLG: BP4, BP7